The following is an entry in ClinVar:

NM_004655.4(AXIN2):c.174C>G (p.Asn58Lys)

Gene: AXIN2 (axin 2; minus strand). Cytogenetic location: 17q24.1.
Variant type: single nucleotide variant.
Coding change: c.174C>G on transcript NM_004655.4 (MANE Select); coding-DNA position 174, C replaced by G.
Protein change: p.Asn58Lys; replaces asparagine 58 with lysine.
Molecular consequence: missense variant.
Genome position (GRCh38, 1-based): chr17:65,558,447, G>C on the plus strand (C>G on the coding strand, the complement: AXIN2 is on the minus strand). VCF-style: chr17-65558447-G-C. GRCh37 (hg19) VCF-style: chr17-63554565-G-C.
Other names: c.174C>G (LRG_296t1); c.174C>G, p.Asn58Lys (NM_001363813.1); short protein forms N58K.
Identifiers: ClinVar variation 408812 (VCV000408812.17), dbSNP rs763012548, ClinGen allele CA16615904.

ClinVar aggregate classification (germline): Uncertain significance. Review status: criteria provided, multiple submitters, no conflicts (2 of 4 stars). 3 submissions from 3 submitters: Uncertain significance (3). Last evaluated 2026-01-24.

Conditions:
Hereditary cancer-predisposing syndrome. Also called: Hereditary Cancer Syndrome; Hereditary neoplastic syndrome; Neoplastic Syndromes, Hereditary; Tumor predisposition. Identifiers: Orphanet 140162, MedGen C0027672, MeSH D009386, MONDO:0015356.
Oligodontia-cancer predisposition syndrome. Also called: TOOTH AGENESIS-COLORECTAL CANCER SYNDROME. Identifiers: Orphanet 300576, MedGen C1837750, MONDO:0012075, OMIM 608615. Disease mechanism: loss of function.

gnomAD v4.1: 2 of 1,599,468 alleles (0.00013%); highest among the groups gnomAD compares: Non-Finnish European, 0.000085%; no homozygotes.

Submissions (3):

Labcorp Genetics (formerly Invitae), Labcorp
Classification: Uncertain significance for Oligodontia-cancer predisposition syndrome. Last evaluated: 2026-01-24. Review status: criteria provided, single submitter. Criteria: Invitae Variant Classification Sherloc (09022015). Collection method: clinical testing. Allele origin: germline.
Comment: This sequence change replaces asparagine, which is neutral and polar, with lysine, which is basic and polar, at codon 58 of the AXIN2 protein (p.Asn58Lys). The frequency data for this variant in the population databases is considered unreliable, as metrics indicate poor data quality at this position in the gnomAD database. This variant has not been reported in the literature in individuals affected with AXIN2-related conditions. ClinVar contains an entry for this variant (Variation ID: 408812). Invitae Evidence Modeling of protein sequence and biophysical properties (such as structural, functional, and spatial information, amino acid conservation, physicochemical variation, residue mobility, and thermodynamic stability) indicates that this missense variant is not expected to disrupt AXIN2 protein function with a negative predictive value of 80%. In summary, the available evidence is currently insufficient to determine the role of this variant in disease. Therefore, it has been classified as a Variant of Uncertain Significance.

Ambry Genetics
Classification: Uncertain significance for Hereditary cancer-predisposing syndrome. Last evaluated: 2025-10-14. Review status: criteria provided, single submitter. Criteria: Ambry Variant Classification Scheme 2023. Collection method: clinical testing. Allele origin: germline.
Comment: The p.N58K variant (also known as c.174C>G), located in coding exon 1 of the AXIN2 gene, results from a C to G substitution at nucleotide position 174. The asparagine at codon 58 is replaced by lysine, an amino acid with similar properties. This amino acid position is well conserved in available vertebrate species. In addition, this alteration is predicted to be tolerated by in silico analysis. Since supporting evidence is limited at this time, the clinical significance of this alteration remains unclear.

GeneDx
Classification: Uncertain significance. Last evaluated: 2024-10-07. Review status: criteria provided, single submitter. Criteria: GeneDx Variant Classification Process June 2021. Collection method: clinical testing. Allele origin: germline. Affected: yes.
Comment: Not observed at significant frequency in large population cohorts (gnomAD); In silico analysis indicates that this missense variant does not alter protein structure/function; Has not been previously published as pathogenic or benign to our knowledge